The following is an entry in ClinVar:

ClinVar aggregate classification (germline): Benign (1 of 4 stars; one submission).

Conditions:
Adams-Oliver syndrome 5 (AOS5). Identifiers: Orphanet 974, MedGen C4014970, MONDO:0014459, OMIM 616028.
Aortic valve disease 1 (AOVD1). Identifiers: MedGen C3887892, MONDO:0024523, OMIM 109730.

Allele frequency attached by ClinVar (database versions not stated): TOPMed below 0.00001; gnomAD 0.00001; gnomAD exomes 0.00002 and 0.00003; ExAC 0.00003.
gnomAD v4.1: 41 of 1,612,812 alleles (0.0025%); highest among the groups gnomAD compares: Non-Finnish European, 0.0033%; no homozygotes.

Submission:

Labcorp Genetics (formerly Invitae), Labcorp
Classification: Benign for Adams-Oliver syndrome 5. Last evaluated: 2026-01-27. Review status: criteria provided, single submitter. Criteria: Invitae Variant Classification Sherloc (09022015). Collection method: clinical testing. Allele origin: germline.

NM_017617.5(NOTCH1):c.3631C>T (p.Arg1211Trp)

Gene: NOTCH1 (notch receptor 1; minus strand). Cytogenetic location: 9q34.3.
Variant type: single nucleotide variant.
Coding change: c.3631C>T on transcript NM_017617.5 (MANE Select); coding-DNA position 3631, C replaced by T.
Protein change: p.Arg1211Trp; replaces arginine 1211 with tryptophan.
Molecular consequence: missense variant.
Genome position (GRCh38, 1-based): chr9:136,507,317, G>A on the plus strand (C>T on the coding strand, the complement: NOTCH1 is on the minus strand). VCF-style: chr9-136507317-G-A. GRCh37 (hg19) VCF-style: chr9-139401769-G-A.
Other names: short protein forms R1211W.
Identifiers: ClinVar variation 684553 (VCV000684553.11), dbSNP rs766644919, ClinGen allele CA5340867.
Genomic context (GRCh38, chr9:136,507,317, plus strand): 5'-CCCTGGCCATGGATGGCCAACACCAGCCCTCCGTGCAGCGGCCCTTACCCTGAGTGCCCC[G>A]TGGGCAGGAGCACTTGTAGGTGTTGGGGAGGTCGAGGCAGGTGCCCCCGTTCTGGCAGGG-3'
Protein context (NP_060087.3, residues 1201-1221): LPNTYKCSCP[Arg1211Trp]GTQGVHCEIN